The following is an entry in ClinVar:

ClinVar aggregate classification (germline): Uncertain significance (1 of 4 stars; one submission).

Conditions:
Hereditary cancer-predisposing syndrome. Also called: Neoplastic Syndromes, Hereditary; Tumor predisposition; Hereditary Cancer Syndrome; Hereditary neoplastic syndrome. Identifiers: Orphanet 140162, MedGen C0027672, MeSH D009386, MONDO:0015356.

Submission:

Ambry Genetics
Classification: Uncertain significance for Hereditary cancer-predisposing syndrome. Last evaluated: 2025-10-22. Review status: criteria provided, single submitter. Criteria: Ambry Variant Classification Scheme 2023. Collection method: clinical testing. Allele origin: germline.
Comment: The p.I1194L variant (also known as c.3580A>C), located in coding exon 23 of the ALK gene, results from an A to C substitution at nucleotide position 3580. The isoleucine at codon 1194 is replaced by leucine, an amino acid with highly similar properties. This amino acid position is conserved. In addition, the in silico prediction for this alteration is inconclusive. Based on the available evidence, the clinical significance of this variant remains unclear.

NM_004304.5(ALK):c.3580A>C (p.Ile1194Leu)

Gene: ALK (ALK receptor tyrosine kinase; minus strand). Cytogenetic location: 2p23.2.
Variant type: single nucleotide variant.
Coding change: c.3580A>C on transcript NM_004304.5 (MANE Select); coding-DNA position 3580, A replaced by C.
Protein change: p.Ile1194Leu; replaces isoleucine 1194 with leucine.
Molecular consequence: missense variant.
Genome position (GRCh38, 1-based): chr2:29,220,771, T>G on the plus strand (A>C on the coding strand, the complement: ALK is on the minus strand). VCF-style: chr2-29220771-T-G. GRCh37 (hg19) VCF-style: chr2-29443637-T-G.
Other names: c.376A>C, p.Ile126Leu (NM_001353765.2); short protein forms I1194L, I126L.
Identifiers: ClinVar variation 4676647 (VCV004676647.1).